The following is an entry in ClinVar:

NM_152783.5(D2HGDH):c.418G>A (p.Val140Ile)

Gene: D2HGDH (D-2-hydroxyglutarate dehydrogenase; plus strand). Cytogenetic location: 2q37.3.
Variant type: single nucleotide variant.
Coding change: c.418G>A on transcript NM_152783.5 (MANE Select); coding-DNA position 418, G replaced by A.
Protein change: p.Val140Ile; replaces valine 140 with isoleucine.
Molecular consequence: missense variant. On other transcripts: 5 prime UTR variant (1), non-coding transcript variant (1).
Genome position (GRCh38, 1-based): chr2:241,742,502, G>A. VCF-style: chr2-241742502-G-A. GRCh37 (hg19) VCF-style: chr2-242681917-G-A.
Other names: p.Val140Ile; c.16G>A, p.Val6Ile (NM_001287249.2); c.-127G>A (NM_001352824.2); c.418G>A (NM_152783.4, NM_152783.3); short protein forms V6I, V140I.
Identifiers: ClinVar variation 1965886 (VCV001965886.7), dbSNP rs747301663, ClinGen allele CA2221646.

ClinVar aggregate classification (germline): Conflicting classifications of pathogenicity. Review status: criteria provided, conflicting classifications (1 of 4 stars). 3 submissions from 3 submitters: Uncertain significance (2); Likely benign (1). Last evaluated 2024-05-30.

Conditions:
Inborn genetic diseases. Identifiers: MedGen C0950123, MeSH D030342.
D-2-hydroxyglutaric aciduria 1 (D2HGA1). Identifiers: Orphanet 79315, MedGen C3152055, MONDO:0024554, OMIM 600721.

Allele frequency attached by ClinVar (database versions not stated): gnomAD 0.00002; gnomAD exomes 0.00002; TOPMed 0.00002; ExAC 0.00003.

Submissions (3):

Ambry Genetics
Classification: Likely benign for Inborn genetic diseases. Last evaluated: 2024-05-30. Review status: criteria provided, single submitter. Criteria: Ambry Variant Classification Scheme 2023. Collection method: clinical testing. Allele origin: germline.

Labcorp Genetics (formerly Invitae), Labcorp
Classification: Uncertain significance for D-2-hydroxyglutaric aciduria 1. Last evaluated: 2022-10-31. Review status: criteria provided, single submitter. Criteria: Invitae Variant Classification Sherloc (09022015). Collection method: clinical testing. Allele origin: germline.
Comment: Advanced modeling of protein sequence and biophysical properties (such as structural, functional, and spatial information, amino acid conservation, physicochemical variation, residue mobility, and thermodynamic stability) performed at Invitae indicates that this missense variant is not expected to disrupt D2HGDH protein function. This variant has not been reported in the literature in individuals affected with D2HGDH-related conditions. This variant is present in population databases (rs747301663, gnomAD 0.007%). This sequence change replaces valine, which is neutral and non-polar, with isoleucine, which is neutral and non-polar, at codon 140 of the D2HGDH protein (p.Val140Ile). In summary, the available evidence is currently insufficient to determine the role of this variant in disease. Therefore, it has been classified as a Variant of Uncertain Significance.

Mayo Clinic Laboratories, Mayo Clinic
Classification: Uncertain significance. Last evaluated: 2022-01-10. Review status: criteria provided, single submitter. Criteria: ACMG Guidelines, 2015. Collection method: clinical testing. Allele origin: germline. Observed: 1 variant allele.
Comment: BP5, PM2